The following is an entry in ClinVar:

ClinVar aggregate classification (germline): Likely pathogenic. Review status: criteria provided, multiple submitters, no conflicts (2 of 4 stars). 2 submissions from 2 submitters: Likely pathogenic (2). Last evaluated 2024-07-10.

Conditions:
PCDH19-related disorder. Also called: PCDH19-related condition.

Submissions (2):

Blueprint Genetics
Classification: Likely pathogenic for PCDH19-related disorders. Last evaluated: 2024-07-10. Review status: criteria provided, single submitter. Criteria: ACMG Guidelines, 2015. Collection method: clinical testing. Allele origin: germline. Affected: yes. Observed: 1 variant allele.

GeneDx
Classification: Likely pathogenic. Last evaluated: 2017-09-05. Review status: criteria provided, single submitter. Criteria: GeneDx Variant Classification (06012015). Collection method: clinical testing. Allele origin: germline. Affected: yes.
Comment: The N234S variant has been reported previously as a de novo variant in an individual with infantile epileptic encephalopathy (Depienne et al., 2012). The N234S variant is not observed in large population cohorts (Lek et al., 2016; 1000 Genomes Consortium et al., 2015; Exome Variant Server). This substitution occurs at a position that is conserved across species, and missense variants in nearby residues (D230N, N232S, P236S/L) have been reported in the Human Gene Mutation Database in association with PCDH19-related disorders (Stenson et al., 2014), supporting the functional importance of this region of the protein. Additionally, in silico analysis predicts this variant is probably damaging to the protein structure/function. However, the N234S variant is a conservative amino acid substitution, which is not likely to impact secondary protein structure as these residues share similar properties. Therefore, this variant is likely pathogenic; however, the possibility that it is benign cannot be excluded.

NM_001184880.2(PCDH19):c.701A>G (p.Asn234Ser)

Gene: PCDH19 (protocadherin 19; minus strand). Cytogenetic location: Xq22.1.
Variant type: single nucleotide variant.
Coding change: c.701A>G on transcript NM_001184880.2 (MANE Select); coding-DNA position 701, A replaced by G.
Protein change: p.Asn234Ser; replaces asparagine 234 with serine.
Molecular consequence: missense variant.
Genome position (GRCh38, 1-based): chrX:100,407,897, T>C on the plus strand (A>G on the coding strand, the complement: PCDH19 is on the minus strand). VCF-style: chrX-100407897-T-C. GRCh37 (hg19) VCF-style: chrX-99662895-T-C.
Other names: c.701A>G, p.Asn234Ser (NM_001105243.2, NM_020766.3); short protein forms N234S.
Identifiers: ClinVar variation 449357 (VCV000449357.3), dbSNP rs1555985475, ClinGen allele CA414008580.